The following is an entry in ClinVar:

ClinVar aggregate classification (germline): Uncertain significance (1 of 4 stars; one submission).

Conditions:
Schuurs-Hoeijmakers syndrome. Also called: PACS1-Related Neurodevelopmental Disorder. Identifiers: Orphanet 329224, MedGen C3554343, MONDO:0014006, OMIM 615009.

Allele frequency attached by ClinVar (database versions not stated): gnomAD exomes below 0.00001.
gnomAD v4.1: 2 of 1,612,936 alleles (0.00012%); highest among the groups gnomAD compares: Non-Finnish European, 0.00017%; no homozygotes.

Submission:

Labcorp Genetics (formerly Invitae), Labcorp
Classification: Uncertain significance for Schuurs-Hoeijmakers syndrome. Last evaluated: 2024-04-10. Review status: criteria provided, single submitter. Criteria: Invitae Variant Classification Sherloc (09022015). Collection method: clinical testing. Allele origin: germline.
Comment: This sequence change falls in intron 9 of the PACS1 gene. It does not directly change the encoded amino acid sequence of the PACS1 protein. It affects a nucleotide within the consensus splice site. This variant is not present in population databases (gnomAD no frequency). This variant has not been reported in the literature in individuals affected with PACS1-related conditions. ClinVar contains an entry for this variant (Variation ID: 2021787). Variants that disrupt the consensus splice site are a relatively common cause of aberrant splicing (PMID: 17576681, 9536098). Algorithms developed to predict the effect of sequence changes on RNA splicing suggest that this variant is not likely to affect RNA splicing. In summary, the available evidence is currently insufficient to determine the role of this variant in disease. Therefore, it has been classified as a Variant of Uncertain Significance.

Literature cited by the submitters: PubMed 17576681; PubMed 9536098.

NM_018026.4(PACS1):c.1199+6C>T

Gene: PACS1 (phosphofurin acidic cluster sorting protein 1; plus strand). Cytogenetic location: 11q13.2.
Variant type: single nucleotide variant.
Coding change: c.1199+6C>T on transcript NM_018026.4 (MANE Select); 6 bases into the intron after coding-DNA position 1199, C replaced by T.
Molecular consequence: intron variant.
Genome position (GRCh38, 1-based): chr11:66,220,797, C>T. VCF-style: chr11-66220797-C-T. GRCh37 (hg19) VCF-style: chr11-65988268-C-T.
Identifiers: ClinVar variation 2021787 (VCV002021787.4), dbSNP rs2495561401, ClinGen allele CA2580084530.